The following is an entry in ClinVar:

ClinVar aggregate classification (germline): Pathogenic (1 of 4 stars; one submission).

Conditions:
Anterior segment dysgenesis. Also called: Ocular anterior segment dysgenesis. Identifiers: Orphanet 88632, MedGen C1862839, MONDO:0019503, HP:0007700.
Congenital primary aphakia. Also called: Anterior segment dysgenesis 2, multiple subtypes; ANTERIOR SEGMENT DYSGENESIS 2. Identifiers: Orphanet 83461, MedGen C1853230, MONDO:0012456, OMIM 610256.

Submission:

Labcorp Genetics (formerly Invitae), Labcorp
Classification: Pathogenic for Anterior segment dysgenesis; Congenital primary aphakia. Last evaluated: 2023-09-19. Review status: criteria provided, single submitter. Criteria: Invitae Variant Classification Sherloc (09022015). Collection method: clinical testing. Allele origin: germline.
Comment: This variant is not present in population databases (gnomAD no frequency). This sequence change creates a premature translational stop signal (p.Tyr74*) in the FOXE3 gene. While this is not anticipated to result in nonsense mediated decay, it is expected to disrupt the last 246 amino acid(s) of the FOXE3 protein. This variant has not been reported in the literature in individuals affected with FOXE3-related conditions. For these reasons, this variant has been classified as Pathogenic. This variant disrupts a region of the FOXE3 protein in which other variant(s) (p.Cys240*) have been determined to be pathogenic (PMID: 16826526, 34046667). This suggests that this is a clinically significant region of the protein, and that variants that disrupt it are likely to be disease-causing.

Literature cited by the submitters: PubMed 16826526; PubMed 34046667.

NM_012186.3(FOXE3):c.222C>G (p.Tyr74Ter)

Genes: FOXE3 (forkhead box E3; plus strand), LINC01389 (long independently transcribed non-coding RNA 1389; minus strand). Cytogenetic location: 1p33.
Variant type: single nucleotide variant.
Coding change: c.222C>G on transcript NM_012186.3 (MANE Select); coding-DNA position 222, C replaced by G.
Protein change: p.Tyr74Ter; replaces tyrosine 74 with a stop codon.
Molecular consequence: nonsense.
Genome position (GRCh38, 1-based): chr1:47,416,537, C>G. VCF-style: chr1-47416537-C-G. GRCh37 (hg19) VCF-style: chr1-47882209-C-G.
Other names: short protein forms Y74*.
Identifiers: ClinVar variation 2952039 (VCV002952039.3), dbSNP rs1167122307, ClinGen allele CA340249273.
Genomic context (GRCh38, chr1:47,416,537, plus strand): 5'-GCCCGCGCCCGGCCCGGGGCGGCGGCGGCGGCGGCCCCTGCAGCGCGGGAAGCCGCCCTA[C>G]TCGTACATCGCGCTCATCGCCATGGCTCTGGCGCACGCCCCGGGCCGCCGCCTCACGCTG-3'